The following is an entry in ClinVar:

NM_022051.3(EGLN1):c.265G>T (p.Gly89Trp)

Gene: EGLN1 (egl-9 family hypoxia inducible factor 1; minus strand). Cytogenetic location: 1q42.2.
Variant type: single nucleotide variant.
Coding change: c.265G>T on transcript NM_022051.3 (MANE Select); coding-DNA position 265, G replaced by T.
Protein change: p.Gly89Trp; replaces glycine 89 with tryptophan.
Molecular consequence: missense variant.
Genome position (GRCh38, 1-based): chr1:231,421,624, C>A on the plus strand (G>T on the coding strand, the complement: EGLN1 is on the minus strand). VCF-style: chr1-231421624-C-A. GRCh37 (hg19) VCF-style: chr1-231557370-C-A.
Other names: c.265G>T, p.Gly89Trp (NM_001377260.1, NM_001377261.1); short protein forms G89W.
Identifiers: ClinVar variation 4870315 (VCV004870315.1).

ClinVar aggregate classification (germline): Uncertain significance (1 of 4 stars; one submission).

Submission:

Ambry Genetics
Classification: Uncertain significance. Last evaluated: 2026-04-28. Review status: criteria provided, single submitter. Criteria: Ambry Variant Classification Scheme 2023. Collection method: clinical testing. Allele origin: germline.
Comment: The p.G89W variant (also known as c.265G>T), located in coding exon 1 of the EGLN1 gene, results from a G to T substitution at nucleotide position 265. The glycine at codon 89 is replaced by tryptophan, an amino acid with highly dissimilar properties. This amino acid position is conserved. In addition, this alteration is predicted to be tolerated by in silico analysis. Based on the available evidence, the clinical significance of this variant remains unclear.